The following is an entry in ClinVar:

ClinVar aggregate classification (germline): Benign/Likely benign. Review status: criteria provided, multiple submitters, no conflicts (2 of 4 stars). 2 submissions from 2 submitters: Benign (1); Likely benign (1). Last evaluated 2025-08-12.

Conditions:
Intellectual developmental disorder, autosomal dominant 1. Also called: Intellectual disability, autosomal dominant 1; MBD5 Haploinsufficiency. Identifiers: Orphanet 228402, MedGen C1969562, MONDO:0007974, OMIM 156200.

Allele frequency attached by ClinVar (database versions not stated): ExAC 0.00001; gnomAD exomes 0.00001 and 0.00002; gnomAD 0.00002 and 0.00003; TOPMed 0.00002; ESP Exome Variant Server 0.00015.
gnomAD v4.1: 37 of 1,613,802 alleles (0.0023%); highest among the groups gnomAD compares: Non-Finnish European, 0.0028%; no homozygotes.

Submissions (2):

Labcorp Genetics (formerly Invitae), Labcorp
Classification: Likely benign for Intellectual developmental disorder, autosomal dominant 1. Last evaluated: 2025-08-12. Review status: criteria provided, single submitter. Criteria: Invitae Variant Classification Sherloc (09022015). Collection method: clinical testing. Allele origin: germline.

GeneDx
Classification: Benign. Last evaluated: 2013-11-05. Review status: criteria provided, single submitter. Criteria: GeneDx Variant Classification (06012015). Collection method: clinical testing. Allele origin: germline. Affected: yes.
Comment: This variant is considered likely benign or benign based on one or more of the following criteria: it is a conservative change, it occurs at a poorly conserved position in the protein, it is predicted to be benign by multiple in silico algorithms, and/or has population frequency not consistent with disease.

NM_001378120.1(MBD5):c.2274C>T (p.Ala758=)

Gene: MBD5 (methyl-CpG binding domain protein 5; plus strand). Cytogenetic location: 2q23.1.
Variant type: single nucleotide variant.
Coding change: c.2274C>T on transcript NM_001378120.1 (MANE Select); coding-DNA position 2274, C replaced by T.
Protein change: p.Ala758=; no amino-acid change (alanine 758 retained).
Molecular consequence: synonymous variant.
Genome position (GRCh38, 1-based): chr2:148,470,217, C>T. VCF-style: chr2-148470217-C-T. GRCh37 (hg19) VCF-style: chr2-149227786-C-T.
Other names: p.A758A:GCC>GCT; c.2274C>T, p.Ala758= (NM_018328.5).
Identifiers: ClinVar variation 206052 (VCV000206052.9), dbSNP rs374820728, ClinGen allele CA315762.